The following is an entry in ClinVar:

NM_058216.3(RAD51C):c.405-10C>T

Gene: RAD51C (RAD51 paralog C; plus strand). Cytogenetic location: 17q22.
Variant type: single nucleotide variant.
Coding change: c.405-10C>T on transcript NM_058216.3 (MANE Select); 10 bases into the intron before coding-DNA position 405, C replaced by T.
Molecular consequence: intron variant.
Genome position (GRCh38, 1-based): chr17:58,696,683, C>T. VCF-style: chr17-58696683-C-T. GRCh37 (hg19) VCF-style: chr17-56774044-C-T.
Identifiers: ClinVar variation 3903726 (VCV003903726.1).

ClinVar aggregate classification (germline): Likely benign (1 of 4 stars; one submission).

Conditions:
Breast-ovarian cancer, familial, susceptibility to, 3. Also called: RAD51C-Related Breast/Ovarian Cancer. Identifiers: Orphanet 145, MedGen C3150659, MONDO:0013253, OMIM 613399.

Submission:

Myriad Genetics, Inc.
Classification: Likely benign for Breast-ovarian cancer, familial, susceptibility to, 3. Last evaluated: 2025-02-18. Review status: criteria provided, single submitter. Criteria: Myriad Autosomal Dominant, Autosomal Recessive and X-Linked Classification Criteria (2023). Collection method: clinical testing. Allele origin: unknown.
Comment: This variant is considered likely benign. This variant is intronic and is not expected to impact mRNA splicing.